The following is an entry in ClinVar:

NM_004817.4(TJP2):c.2686G>T (p.Asp896Tyr)

Gene: TJP2 (tight junction protein 2; plus strand). Cytogenetic location: 9q21.11.
Variant type: single nucleotide variant.
Coding change: c.2686G>T on transcript NM_004817.4 (MANE Select); coding-DNA position 2686, G replaced by T.
Protein change: p.Asp896Tyr; replaces aspartic acid 896 with tyrosine.
Molecular consequence: missense variant. On other transcripts: intron variant (1).
Genome position (GRCh38, 1-based): chr9:69,248,030, G>T. VCF-style: chr9-69248030-G-T. GRCh37 (hg19) VCF-style: chr9-71862946-G-T.
Other names: c.2617G>T, p.Asp873Tyr (NM_001170414.2, NM_001369871.1); c.2698G>T, p.Asp900Tyr (NM_001170415.1, NM_001369874.1, NM_001369875.1); c.2779G>T, p.Asp927Tyr (NM_001170416.2); c.2611G>T, p.Asp871Tyr (NM_001369870.1); c.2686G>T, p.Asp896Tyr (NM_001369872.1, NM_201629.3); c.2667+1240G>T (NM_001369873.1); short protein forms D896Y, D927Y, D873Y, D871Y, D900Y.
Identifiers: ClinVar variation 4986583 (VCV004986583.1).

ClinVar aggregate classification (germline): Uncertain significance (1 of 4 stars; one submission).

Conditions:
TJP2-related disorder. Also called: TJP2-related condition.

Submission:

PreventionGenetics, part of Exact Sciences
Classification: Uncertain significance for TJP2-related condition. Last evaluated: 2025-03-21. Review status: criteria provided, single submitter. Criteria: ACMG Guidelines, 2015. Collection method: clinical testing. Allele origin: germline.
Comment: The TJP2 c.2686G>T variant is predicted to result in the amino acid substitution p.Asp896Tyr. To our knowledge, this variant has not been reported in the literature or in a large population database (gnomAD), indicating this variant is rare. At this time, the clinical significance of this variant is uncertain due to the absence of conclusive functional and genetic evidence.